The following is an entry in ClinVar:

NM_001005273.3(CHD3):c.3474G>C (p.Trp1158Cys)

Gene: CHD3 (chromodomain helicase DNA binding protein 3; plus strand). Cytogenetic location: 17p13.1.
Variant type: single nucleotide variant.
Coding change: c.3474G>C on transcript NM_001005273.3 (MANE Select); coding-DNA position 3474, G replaced by C.
Protein change: p.Trp1158Cys; replaces tryptophan 1158 with cysteine.
Molecular consequence: missense variant.
Genome position (GRCh38, 1-based): chr17:7,903,040, G>C. VCF-style: chr17-7903040-G-C. GRCh37 (hg19) VCF-style: chr17-7806358-G-C.
Other names: c.3651G>C, p.Trp1217Cys (NM_001005271.3, NM_001437504.1); c.3639G>C, p.Trp1213Cys (NM_001437507.1, NM_001437508.1, NM_001437509.1); c.3474G>C, p.Trp1158Cys (NM_005852.4); short protein forms W1158C, W1213C, W1217C.
Identifiers: ClinVar variation 4995037 (VCV004995037.1).

ClinVar aggregate classification (germline): Uncertain significance (1 of 4 stars; one submission).

Conditions:
CHD3-related disorder. Also called: CHD3-related condition.

Submission:

PreventionGenetics, part of Exact Sciences
Classification: Uncertain significance for CHD3-related condition. Last evaluated: 2026-04-02. Review status: criteria provided, single submitter. Criteria: ACMG Guidelines, 2015. Collection method: clinical testing. Allele origin: germline.
Comment: The CHD3 c.3651G>C variant is predicted to result in the amino acid substitution p.Trp1217Cys. To our knowledge, this variant has not been reported in the literature or in a large population database (gnomAD), indicating this variant is rare. An alternate missense change at the same amino acid position (p.Trp1217Arg) has been reported in an individual affected with Snijders Blok-Campeau syndrome (Described as p.Trp1158Arg, Snijders Blok et al. 2018. PubMed ID: 30397230). At this time, the clinical significance of this variant is uncertain due to the absence of conclusive functional and genetic evidence.